The following is an entry in ClinVar:

Conditions:
Breast-ovarian cancer, familial, susceptibility to, 1 (BROVCA1). Also called: BRCA1 Hereditary Breast and Ovarian Cancer; OVARIAN CANCER, SUSCEPTIBILITY TO. Identifiers: Orphanet 145, MedGen C2676676, MONDO:0011450, OMIM 604370. Disease mechanism: loss of function.

Allele frequency attached by ClinVar (database versions not stated): gnomAD exomes below 0.00001; ExAC 0.00001; gnomAD 0.00001; 1000 Genomes Project 30x 0.00016; 1000 Genomes Project 0.00020.
gnomAD v4.1: 1 of 1,614,072 alleles (0.000062%); highest among the groups gnomAD compares: South Asian, 0.0011%; no homozygotes.

Submission:

Brotman Baty Institute, University of Washington
No classification provided (evidence only). Condition: Breast-ovarian cancer, familial 1. Review status: no classification provided. Collection method: in vitro. Allele origin: not applicable. Functional consequence: functionally_normal.
ClinVar note: "not provided" was previously submitted as the classification for the variant. However, the classification appeared to be based only on an observation of functional data so it was converted to no classification on 2025-07-30.

NM_007294.4(BRCA1):c.5311C>G (p.Pro1771Ala)

Gene: BRCA1 (BRCA1 DNA repair associated; minus strand). Cytogenetic location: 17q21.31.
Variant type: single nucleotide variant.
Coding change: c.5311C>G on transcript NM_007294.4 (MANE Select); coding-DNA position 5311, C replaced by G.
Protein change: p.Pro1771Ala; replaces proline 1771 with alanine.
Molecular consequence: missense variant. On other transcripts: non-coding transcript variant (1).
Genome position (GRCh38, 1-based): chr17:43,051,084, G>C on the plus strand (C>G on the coding strand, the complement: BRCA1 is on the minus strand). VCF-style: chr17-43051084-G-C. GRCh37 (hg19) VCF-style: chr17-41203101-G-C.
Other names: c.5098C>G, p.Pro1700Ala (NM_001407571.1, NM_001407906.1, NM_001407907.1 and 12 more transcripts); c.5377C>G, p.Pro1793Ala (NM_001407581.1, NM_001407582.1); c.5374C>G, p.Pro1792Ala (NM_001407583.1, NM_001407585.1, NM_001407587.1 and 1 more transcripts); c.5371C>G, p.Pro1791Ala (NM_001407590.1, NM_001407591.1); c.5311C>G, p.Pro1771Ala (NM_001407593.1, NM_001407594.1, NM_001407596.1 and 6 more transcripts); c.5308C>G, p.Pro1770Ala (NM_001407610.1, NM_001407611.1, NM_001407612.1 and 17 more transcripts); c.5305C>G, p.Pro1769Ala (NM_001407631.1, NM_001407632.1, NM_001407633.1 and 14 more transcripts); c.5233C>G, p.Pro1745Ala (NM_001407653.1, NM_001407654.1, NM_001407655.1 and 1 more transcripts); and 72 more; short protein forms P1792A, P1771A, P1724A, P667A, P1474A, P1682A, P1729A, P1791A.
Identifiers: ClinVar variation 868298 (VCV000868298.3), dbSNP rs576727185, ClinGen allele CA054462.